The following is an entry in ClinVar:

NM_003482.4(KMT2D):c.7295C>G (p.Ala2432Gly)

Gene: KMT2D (lysine methyltransferase 2D; minus strand). Cytogenetic location: 12q13.12.
Variant type: single nucleotide variant.
Coding change: c.7295C>G on transcript NM_003482.4 (MANE Select); coding-DNA position 7295, C replaced by G.
Protein change: p.Ala2432Gly; replaces alanine 2432 with glycine.
Molecular consequence: missense variant.
Genome position (GRCh38, 1-based): chr12:49,040,475, G>C on the plus strand (C>G on the coding strand, the complement: KMT2D is on the minus strand). VCF-style: chr12-49040475-G-C. GRCh37 (hg19) VCF-style: chr12-49434258-G-C.
Other names: short protein forms A2432G.
Identifiers: ClinVar variation 2809407 (VCV002809407.3), dbSNP rs2120529547, ClinGen allele CA384747993.

ClinVar aggregate classification (germline): Uncertain significance (1 of 4 stars; one submission).

Conditions:
Kabuki syndrome. Also called: Kabuki make-up syndrome; NIIKAWA-KUROKI SYNDROME. Identifiers: Orphanet 2322, MedGen C0796004, MONDO:0016512.

Submission:

Labcorp Genetics (formerly Invitae), Labcorp
Classification: Uncertain significance for Kabuki syndrome. Last evaluated: 2022-12-14. Review status: criteria provided, single submitter. Criteria: Invitae Variant Classification Sherloc (09022015). Collection method: clinical testing. Allele origin: germline.
Comment: This sequence change replaces alanine, which is neutral and non-polar, with glycine, which is neutral and non-polar, at codon 2432 of the KMT2D protein (p.Ala2432Gly). This variant is not present in population databases (gnomAD no frequency). This variant has not been reported in the literature in individuals affected with KMT2D-related conditions. Advanced modeling of protein sequence and biophysical properties (such as structural, functional, and spatial information, amino acid conservation, physicochemical variation, residue mobility, and thermodynamic stability) performed at Invitae indicates that this missense variant is not expected to disrupt KMT2D protein function. In summary, the available evidence is currently insufficient to determine the role of this variant in disease. Therefore, it has been classified as a Variant of Uncertain Significance.